The following is an entry in ClinVar:

ClinVar aggregate classification (germline): Uncertain significance. Review status: criteria provided, multiple submitters, no conflicts (2 of 4 stars). 4 submissions from 4 submitters: Uncertain significance (4). Last evaluated 2025-10-23.

Conditions:
Hereditary cancer-predisposing syndrome. Also called: Hereditary Cancer Syndrome; Neoplastic Syndromes, Hereditary; Tumor predisposition; Hereditary neoplastic syndrome. Identifiers: Orphanet 140162, MedGen C0027672, MeSH D009386, MONDO:0015356.
Microcephaly, normal intelligence and immunodeficiency (NBS). Also called: IMMUNODEFICIENCY, MICROCEPHALY, AND CHROMOSOMAL INSTABILITY; SEEMANOVA SYNDROME II; Immunodeficiency, microcephaly with normal intelligence; Ataxia telangiectasia variant V1; Nijmegen breakage syndrome; Microcephaly with normal intelligence immunodeficiency and lymphoreticular malignancies. Identifiers: Orphanet 647, MedGen C0398791, MONDO:0009623, OMIM 251260.

Submissions (4):

Ambry Genetics
Classification: Uncertain significance for Hereditary cancer-predisposing syndrome. Last evaluated: 2025-10-23. Review status: criteria provided, single submitter. Criteria: Ambry Variant Classification Scheme 2023. Collection method: clinical testing. Allele origin: germline.
Comment: The p.D469N variant (also known as c.1405G>A), located in coding exon 11 of the NBN gene, results from a G to A substitution at nucleotide position 1405. The aspartic acid at codon 469 is replaced by asparagine, an amino acid with highly similar properties. This variant has been reported in 1/1120 pediatric cancer patients, who underwent whole genome sequencing and/or whole exome sequencing; this patient was diagnosed with low-grade glioma (Zhang J et al. N. Engl. J. Med., 2015 Dec;373:2336-2346). This amino acid position is well conserved in available vertebrate species. In addition, this alteration is predicted to be tolerated by in silico analysis. Since supporting evidence is limited at this time, the clinical significance of this alteration remains unclear.

Labcorp Genetics (formerly Invitae), Labcorp
Classification: Uncertain significance for Microcephaly, normal intelligence and immunodeficiency. Last evaluated: 2023-10-14. Review status: criteria provided, single submitter. Criteria: Invitae Variant Classification Sherloc (09022015). Collection method: clinical testing. Allele origin: germline.
Comment: This sequence change replaces aspartic acid, which is acidic and polar, with asparagine, which is neutral and polar, at codon 469 of the NBN protein (p.Asp469Asn). This variant is not present in population databases (gnomAD no frequency). This variant has not been reported in the literature in individuals affected with NBN-related conditions. ClinVar contains an entry for this variant (Variation ID: 187081). Algorithms developed to predict the effect of missense changes on protein structure and function output the following: SIFT: "Not Available"; PolyPhen-2: "Benign"; Align-GVGD: "Not Available". The asparagine amino acid residue is found in multiple mammalian species, which suggests that this missense change does not adversely affect protein function. In summary, the available evidence is currently insufficient to determine the role of this variant in disease. Therefore, it has been classified as a Variant of Uncertain Significance.

Quest Diagnostics Nichols Institute San Juan Capistrano
Classification: Uncertain significance. Last evaluated: 2023-06-05. Review status: criteria provided, single submitter. Criteria: Quest Diagnostics criteria. Collection method: clinical testing. Allele origin: unknown.
Comment: This variant has not been reported in the published literature. It also has not been reported in large, multi-ethnic general populations (Genome Aggregation Database). Analysis of this variant using bioinformatics tools for the prediction of the effect of amino acid changes on protein structure and function yielded predictions that this variant is benign. Based on the available information, we are unable to determine the clinical significance of this variant.

Genome-Nilou Lab
Classification: Uncertain significance for Microcephaly, normal intelligence and immunodeficiency. Last evaluated: 2021-11-07. Review status: criteria provided, single submitter. Criteria: ACMG Guidelines, 2015. Collection method: clinical testing. Allele origin: germline. Affected: no.

Literature cited by the submitters: PubMed 26580448 (cited by Ambry Genetics).

NM_002485.5(NBN):c.1405G>A (p.Asp469Asn)

Gene: NBN (nibrin; minus strand). Cytogenetic location: 8q21.3.
Variant type: single nucleotide variant.
Coding change: c.1405G>A on transcript NM_002485.5 (MANE Select); coding-DNA position 1405, G replaced by A.
Protein change: p.Asp469Asn; replaces aspartic acid 469 with asparagine.
Molecular consequence: missense variant.
Genome position (GRCh38, 1-based): chr8:89,953,684, C>T on the plus strand (G>A on the coding strand, the complement: NBN is on the minus strand). VCF-style: chr8-89953684-C-T. GRCh37 (hg19) VCF-style: chr8-90965912-C-T.
Other names: c.1159G>A, p.Asp387Asn (NM_001024688.3); short protein forms D469N, D387N.
Identifiers: ClinVar variation 187081 (VCV000187081.19), dbSNP rs148205441, ClinGen allele CA196691.